The following is an entry in ClinVar:

ClinVar aggregate classification (germline): Uncertain significance (1 of 4 stars; one submission).

Submission:

Labcorp Genetics (formerly Invitae), Labcorp
Classification: Uncertain significance. Last evaluated: 2025-11-09. Review status: criteria provided, single submitter. Criteria: Invitae Variant Classification Sherloc (09022015). Collection method: clinical testing. Allele origin: germline.
Comment: This sequence change replaces proline, which is neutral and non-polar, with leucine, which is neutral and non-polar, at codon 1227 of the ATR protein (p.Pro1227Leu). This variant is not present in population databases (gnomAD no frequency). This variant has not been reported in the literature in individuals affected with ATR-related conditions. An algorithm developed to predict the effect of missense changes on protein structure and function (PolyPhen-2) suggests that this variant is likely to be disruptive. In summary, the available evidence is currently insufficient to determine the role of this variant in disease. Therefore, it has been classified as a Variant of Uncertain Significance.

NM_001184.4(ATR):c.3680C>T (p.Pro1227Leu)

Gene: ATR (ATR checkpoint kinase; minus strand). Cytogenetic location: 3q23.
Variant type: single nucleotide variant.
Coding change: c.3680C>T on transcript NM_001184.4 (MANE Select); coding-DNA position 3680, C replaced by T.
Protein change: p.Pro1227Leu; replaces proline 1227 with leucine.
Molecular consequence: missense variant.
Genome position (GRCh38, 1-based): chr3:142,538,527, G>A on the plus strand (C>T on the coding strand, the complement: ATR is on the minus strand). VCF-style: chr3-142538527-G-A. GRCh37 (hg19) VCF-style: chr3-142257369-G-A.
Other names: c.3488C>T, p.Pro1163Leu (NM_001354579.2); short protein forms P1163L, P1227L.
Identifiers: ClinVar variation 4721253 (VCV004721253.1).
Genomic context (GRCh38, chr3:142,538,527, plus strand): 5'-TTTCAGTTACAATACCTGTTTTCAATTATGAGGTAGTGGAAGATAGCTGCAGTTTCTTTA[G>A]GCTGGATGTGTATAAGAGGTAACAAAGCTACTATTACATGACTGAGAAGGGAGCCCAGAC-3'
Protein context (NP_001175.2, residues 1217-1237): VALLPLIHIQ[Pro1227Leu]KETAAIFHYL